The following is an entry in ClinVar:

NM_017534.6(MYH2):c.1267G>A (p.Val423Met)

Genes: MYH2 (myosin heavy chain 2; minus strand), MYHAS (myosin heavy chain gene cluster antisense RNA; plus strand). Cytogenetic location: 17p13.1.
Variant type: single nucleotide variant.
Coding change: c.1267G>A on transcript NM_017534.6 (MANE Select); coding-DNA position 1267, G replaced by A.
Protein change: p.Val423Met; replaces valine 423 with methionine.
Molecular consequence: missense variant.
Genome position (GRCh38, 1-based): chr17:10,539,354, C>T on the plus strand (G>A on the coding strand, the complement: MYH2 is on the minus strand). VCF-style: chr17-10539354-C-T. GRCh37 (hg19) VCF-style: chr17-10442671-C-T.
Other names: c.1267G>A (NM_017534.5); c.1267G>A, p.Val423Met (NM_001100112.2); short protein forms V423M.
Identifiers: ClinVar variation 1039728 (VCV001039728.8), dbSNP rs1433670000, ClinGen allele CA398159759.
Genomic context (GRCh38, chr17:10,539,354, plus strand): 5'-CCATCCACAGGAACATCTTCTCGTAGACGGCTTTGGCCAGAGCACCTACTGCGTTGGACA[C>T]CTTAAAAGACAAAATTATAACTCTCGAAGTTATTAAAGGCCTATGAAAATGCTTTCATCC-3'
Protein context (NP_060004.3, residues 413-433): YVTKGQTVEQ[Val423Met]SNAVGALAKA

ClinVar aggregate classification (germline): Uncertain significance. Review status: criteria provided, multiple submitters, no conflicts (2 of 4 stars). 2 submissions from 2 submitters: Uncertain significance (2). Last evaluated 2026-01-22.

Conditions:
Myopathy, proximal, and ophthalmoplegia (CMYO6). Also called: MYOPATHY WITH CONGENITAL JOINT CONTRACTURES, OPHTHALMOPLEGIA, AND RIMMED VACUOLES; CONGENITAL MYOPATHY 6 WITH OPHTHALMOPLEGIA; INCLUSION BODY MYOPATHY 3, AUTOSOMAL DOMINANT. Identifiers: Orphanet 363677, Orphanet 79091, MedGen C1854106, MONDO:0011577, OMIM 605637.

Allele frequency attached by ClinVar (database versions not stated): gnomAD 0.00001; gnomAD exomes 0.00001; TOPMed 0.00002.
gnomAD v4.1: 10 of 1,614,044 alleles (0.00062%); highest among the groups gnomAD compares: African/African-American, 0.0027%; no homozygotes.

Submissions (2):

Labcorp Genetics (formerly Invitae), Labcorp
Classification: Uncertain significance for Myopathy, proximal, and ophthalmoplegia. Last evaluated: 2026-01-22. Review status: criteria provided, single submitter. Criteria: Invitae Variant Classification Sherloc (09022015). Collection method: clinical testing. Allele origin: germline.
Comment: This sequence change replaces valine, which is neutral and non-polar, with methionine, which is neutral and non-polar, at codon 423 of the MYH2 protein (p.Val423Met). This variant is present in population databases (no rsID available, gnomAD 0.002%). This missense change has been observed in individual(s) with MYH2-related conditions (PMID: 31407473, 35239206, 38127101). ClinVar contains an entry for this variant (Variation ID: 1039728). An algorithm developed to predict the effect of missense changes on protein structure and function (PolyPhen-2) suggests that this variant is likely to be disruptive. In summary, the available evidence is currently insufficient to determine the role of this variant in disease. Therefore, it has been classified as a Variant of Uncertain Significance.

Revvity Omics, Revvity
Classification: Uncertain significance for Myopathy, proximal, and ophthalmoplegia. Last evaluated: 2019-03-05. Review status: criteria provided, single submitter. Criteria: ACMG Guidelines, 2015. Collection method: clinical testing. Allele origin: germline.

Literature cited by the submitters: PubMed 31407473 (cited by Labcorp Genetics (formerly Invitae), Labcorp); PubMed 35239206 (cited by Labcorp Genetics (formerly Invitae), Labcorp); PubMed 38127101 (cited by Labcorp Genetics (formerly Invitae), Labcorp).